The following is an entry in ClinVar:

NM_001062.4(TCN1):c.260-8C>G

Gene: TCN1 (transcobalamin 1; minus strand). Cytogenetic location: 11q12.1.
Variant type: single nucleotide variant.
Coding change: c.260-8C>G on transcript NM_001062.4 (MANE Select); 8 bases into the intron before coding-DNA position 260, C replaced by G.
Molecular consequence: intron variant.
Genome position (GRCh38, 1-based): chr11:59,862,730, G>C on the plus strand (C>G on the coding strand, the complement: TCN1 is on the minus strand). VCF-style: chr11-59862730-G-C. GRCh37 (hg19) VCF-style: chr11-59630203-G-C.
Identifiers: ClinVar variation 3058648 (VCV003058648.2), dbSNP rs543779101, ClinGen allele CA6022075.

ClinVar aggregate classification (germline): Likely benign (0 of 4 stars; one submission).

Conditions:
TCN1-related disorder. Also called: TCN1-related condition.

Allele frequency attached by ClinVar (database versions not stated): ExAC 0.00001; gnomAD 0.00001; 1000 Genomes Project 30x 0.00016; 1000 Genomes Project 0.00020.
gnomAD v4.1: 16 of 1,613,134 alleles (0.00099%); highest among the groups gnomAD compares: South Asian, 0.013%; no homozygotes.

Submission:

PreventionGenetics, part of Exact Sciences
Classification: Likely benign for TCN1-related condition. Last evaluated: 2019-04-08. Review status: no assertion criteria provided. Collection method: clinical testing. Allele origin: germline.
Comment: This variant is classified as likely benign based on ACMG/AMP sequence variant interpretation guidelines (Richards et al. 2015 PMID: 25741868, with internal and published modifications).